The following is an entry in ClinVar:

ClinVar aggregate classification (germline): Likely pathogenic (1 of 4 stars; one submission).

Submission:

ARUP Laboratories, Molecular Genetics and Genomics, ARUP Laboratories
Classification: Likely pathogenic. Last evaluated: 2019-01-04. Review status: criteria provided, single submitter. Criteria: ARUP Molecular Germline Variant Investigation Process. Collection method: clinical testing. Allele origin: germline.
Comment: This variant is absent from general population databases (1000 Genomes Project, Exome Variant Server, and Genome Aggregation Database), indicating it is not a common polymorphism. The glycine at codon 554 is highly conserved and computational analyses (PolyPhen-2: possibly damaging, SIFT: damaging) predict an effect of this variant on protein structure/function. Missense variants in KCNT1 resulting in a gain-of-function have been proposed to be the mechanism of disease (McTague 2018). Based on the available information, the p.Gly554Glu variant is considered to be likely pathogenic.

NM_020822.3(KCNT1):c.1661G>A (p.Gly554Glu)

Gene: KCNT1 (potassium sodium-activated channel subfamily T member 1; plus strand). Cytogenetic location: 9q34.3.
Variant type: single nucleotide variant.
Coding change: c.1661G>A on transcript NM_020822.3 (MANE Select); coding-DNA position 1661, G replaced by A.
Protein change: p.Gly554Glu; replaces glycine 554 with glutamic acid.
Molecular consequence: missense variant.
Genome position (GRCh38, 1-based): chr9:135,770,339, G>A. VCF-style: chr9-135770339-G-A. GRCh37 (hg19) VCF-style: chr9-138662185-G-A.
Other names: c.1526G>A, p.Gly509Glu (NM_001272003.2); short protein forms G509E, G554E.
Identifiers: ClinVar variation 811248 (VCV000811248.8), dbSNP rs1588359968, ClinGen allele CA375506330.